The following is an entry in ClinVar:

ClinVar aggregate classification (somatic clinical impact): Tier II - Potential (1 of 4 stars; one submission).

Conditions:
IDH-wildtype glioblastoma. Identifiers: MedGen CN372125, MONDO:0850335.

Submission:

Institute for Genomic Medicine (IGM) Clinical Laboratory, Nationwide Children's Hospital
Classification: Tier II - Potential for IDH-wildtype glioblastoma. Assertion type: diagnostic. Clinical significance: supports diagnosis. Last evaluated: 2025-10-14. Review status: criteria provided, single submitter. Criteria: AMP/ASCO/CAP Guidelines, 2017. Collection method: clinical testing. Allele origin: somatic. Affected: yes.
Comment: Variant has Tier II (potential) clinical significance as a diagnostic inclusion criterion in IDH-wildtype glioblastoma, based on the following evidence: 1) Diagnostic significance based on multiple small studies (Evidence Level C; PMIDs: 28966033, 24705251, 29763623, 28912153, 35332262, 27425854).

Literature cited by the submitters: PubMed 28966033; PubMed 24705251; PubMed 29763623; PubMed 28912153; PubMed 35332262; PubMed 27425854.

NM_001123385.2(BCOR):c.1863_1885del (p.Asn621fs)

Gene: BCOR (BCL6 corepressor; minus strand). Cytogenetic location: Xp11.4.
Variant type: Deletion.
Coding change: c.1863_1885del on transcript NM_001123385.2 (MANE Select); coding-DNA positions 1863 to 1885, 23 bases deleted (CCCAGAACCGAGTTTCAAAGCAA).
Protein change: p.Asn621fs; shifts the reading frame from asparagine 621.
Molecular consequence: frameshift variant.
Genome position (GRCh38, 1-based): chrX:40,073,461-40,073,483, TTGCTTTGAAACTCGGTTCTGGG deleted on the plus strand (CCCAGAACCGAGTTTCAAAGCAA on the coding strand, the reverse complement: BCOR is on the minus strand); deleting any 23 consecutive bases within chrX:40,073,461-40,073,488 gives the same sequence; the c. name uses the placement nearest the transcript's 3' end. VCF-style (leftmost placement, unchanged base first): chrX-40073460-TTTGCTTTGAAACTCGGTTCTGGG-T. GRCh37 (hg19) VCF-style: chrX-39932713-TTTGCTTTGAAACTCGGTTCTGGG-T.
Other names: c.1863_1885del, p.Asn621fs (NM_001123383.2, NM_001123384.2, NM_001437510.1 and 4 more transcripts); short protein forms N621fs.
Identifiers: ClinVar variation 4530161 (VCV004530161.1).
Genomic context (GRCh38, chrX:40,073,460, plus strand): 5'-GGGGACCTGAATGCCTCATTTGGAGACAGAAATATAGAGCTTGGTGGAAGGCCGTTCTCG[TTTGCTTTGAAACTCGGTTCTGGG>T]TTGCTGGCTTTGGCGCCCTTGCTGCTGGTGCTGCTACTGTGCTTGGCAGGAGTGGCCGGG-3'